The following is an entry in ClinVar:

ClinVar aggregate classification (germline): Uncertain significance. Review status: criteria provided, multiple submitters, no conflicts (2 of 4 stars). 4 submissions from 4 submitters: Uncertain significance (4). Last evaluated 2025-12-06.

Conditions:
Hereditary cancer-predisposing syndrome. Also called: Tumor predisposition; Hereditary neoplastic syndrome; Neoplastic Syndromes, Hereditary; Hereditary Cancer Syndrome. Identifiers: Orphanet 140162, MedGen C0027672, MeSH D009386, MONDO:0015356.
BAP1-related tumor predisposition syndrome (TPDS1). Also called: Tumor susceptibility linked to germline BAP1 mutations; BAP1 tumor predisposition syndrome; COMMON Syndrome; TUMOR PREDISPOSITION SYNDROME 1. Identifiers: Orphanet 289539, MedGen C3280492, MONDO:0013692, OMIM 614327.

Allele frequency attached by ClinVar (database versions not stated): gnomAD exomes below 0.00001; gnomAD 0.00001.
gnomAD v4.1: 2 of 1,613,980 alleles (0.00012%); no homozygotes.

Submissions (4):

Labcorp Genetics (formerly Invitae), Labcorp
Classification: Uncertain significance for BAP1-related tumor predisposition syndrome. Last evaluated: 2025-12-06. Review status: criteria provided, single submitter. Criteria: Invitae Variant Classification Sherloc (09022015). Collection method: clinical testing. Allele origin: germline.
Comment: This sequence change replaces leucine, which is neutral and non-polar, with phenylalanine, which is neutral and non-polar, at codon 452 of the BAP1 protein (p.Leu452Phe). This variant is present in population databases (no rsID available, gnomAD 0.3%). This missense change has been observed in individual(s) with pancreatic cancer (PMID: 28767289). ClinVar contains an entry for this variant (Variation ID: 818991). Invitae Evidence Modeling of protein sequence and biophysical properties (such as structural, functional, and spatial information, amino acid conservation, physicochemical variation, residue mobility, and thermodynamic stability) has been performed for this missense variant. However, the output from this modeling did not meet the statistical confidence thresholds required to predict the impact of this variant on BAP1 protein function. In summary, the available evidence is currently insufficient to determine the role of this variant in disease. Therefore, it has been classified as a Variant of Uncertain Significance.

Baylor Genetics
Classification: Uncertain significance for BAP1-related tumor predisposition syndrome. Last evaluated: 2023-12-29. Review status: criteria provided, single submitter. Criteria: ACMG Guidelines, 2015. Collection method: clinical testing. Allele origin: unknown.

GeneDx
Classification: Uncertain significance. Last evaluated: 2022-09-30. Review status: criteria provided, single submitter. Criteria: GeneDx Variant Classification Process June 2021. Collection method: clinical testing. Allele origin: germline. Affected: yes.
Comment: Not observed at significant frequency in large population cohorts (gnomAD); In silico analysis supports that this missense variant does not alter protein structure/function; Observed among individuals with pancreatic cancer (Shindo et al., 2017; Hu et al., 2020); This variant is associated with the following publications: (PMID: 28767289, 32659497)

Ambry Genetics
Classification: Uncertain significance for Hereditary cancer-predisposing syndrome. Last evaluated: 2019-08-19. Review status: criteria provided, single submitter. Criteria: Ambry Variant Classification Scheme 2023. Collection method: clinical testing. Allele origin: germline.
Comment: The p.L452F variant (also known as c.1354C>T), located in coding exon 13 of the BAP1 gene, results from a C to T substitution at nucleotide position 1354. The leucine at codon 452 is replaced by phenylalanine, an amino acid with highly similar properties. This alteration has been identified in a patient affected with pancreatic cancer with a family history of liver and breast cancers (Shindo K et al. J. Clin. Oncol., 2017 Oct;35:3382-3390). This amino acid position is highly conserved in available vertebrate species. In addition, the in silico prediction for this alteration is inconclusive. Since supporting evidence is limited at this time, the clinical significance of this alteration remains unclear.

Literature cited by the submitters: PubMed 28767289 (cited by Labcorp Genetics (formerly Invitae), Labcorp and Ambry Genetics).

NM_004656.4(BAP1):c.1354C>T (p.Leu452Phe)

Gene: BAP1 (BRCA1 associated deubiquitinase 1; minus strand). Cytogenetic location: 3p21.1.
Variant type: single nucleotide variant.
Coding change: c.1354C>T on transcript NM_004656.4 (MANE Select); coding-DNA position 1354, C replaced by T.
Protein change: p.Leu452Phe; replaces leucine 452 with phenylalanine.
Molecular consequence: missense variant.
Genome position (GRCh38, 1-based): chr3:52,403,791, G>A on the plus strand (C>T on the coding strand, the complement: BAP1 is on the minus strand). VCF-style: chr3-52403791-G-A. GRCh37 (hg19) VCF-style: chr3-52437807-G-A.
Other names: c.1354C>T (NM_004656.3); short protein forms L452F.
Identifiers: ClinVar variation 818991 (VCV000818991.13), dbSNP rs1273586744, ClinGen allele CA353101872.